The following is an entry in ClinVar:

NM_000179.3(MSH6):c.2481T>C (p.Asn827=)

Gene: MSH6 (mutS homolog 6; plus strand). Cytogenetic location: 2p16.3.
Variant type: single nucleotide variant.
Coding change: c.2481T>C on transcript NM_000179.3 (MANE Select); coding-DNA position 2481, T replaced by C.
Protein change: p.Asn827=; no amino-acid change (asparagine 827 retained).
Molecular consequence: synonymous variant.
Genome position (GRCh38, 1-based): chr2:47,800,464, T>C. VCF-style: chr2-47800464-T-C. GRCh37 (hg19) VCF-style: chr2-48027603-T-C.
Other names: c.2091T>C, p.Asn697= (NM_001281492.2); c.1575T>C, p.Asn525= (NM_001281493.2, NM_001281494.2).
Identifiers: ClinVar variation 1084224 (VCV001084224.12), dbSNP rs753585861, ClinGen allele CA069108.

ClinVar aggregate classification (germline): Benign/Likely benign. Review status: criteria provided, multiple submitters, no conflicts (2 of 4 stars). 3 submissions from 3 submitters: Benign (1); Likely benign (2). Last evaluated 2024-12-31.

Conditions:
Hereditary cancer-predisposing syndrome. Also called: Hereditary Cancer Syndrome; Neoplastic Syndromes, Hereditary; Tumor predisposition; Hereditary neoplastic syndrome. Identifiers: Orphanet 140162, MedGen C0027672, MeSH D009386, MONDO:0015356.
Hereditary nonpolyposis colorectal neoplasms. Identifiers: MedGen C0009405, MeSH D003123.
Lynch syndrome 5 (LYNCH5). Also called: Hereditary non-polyposis colorectal cancer, type 5; Colorectal cancer, hereditary nonpolyposis, type 5. Identifiers: Orphanet 144, MedGen C1833477, MONDO:0013710, OMIM 614350. Disease mechanism: loss of function.

Allele frequency attached by ClinVar (database versions not stated): gnomAD exomes below 0.00001 and 0.00001; ExAC 0.00002.
gnomAD v4.1: 2 of 1,613,792 alleles (0.00012%); highest among the groups gnomAD compares: Non-Finnish European, 0.00017%; no homozygotes.

Submissions (3):

Myriad Genetics, Inc.
Classification: Benign for Lynch syndrome 5. Last evaluated: 2024-12-31. Review status: criteria provided, single submitter. Criteria: Myriad Autosomal Dominant, Autosomal Recessive and X-Linked Classification Criteria (2023). Collection method: clinical testing. Allele origin: unknown.
Comment: This variant is considered benign. This variant is a silent/synonymous amino acid change and it is not expected to impact splicing.

Labcorp Genetics (formerly Invitae), Labcorp
Classification: Likely benign for Hereditary nonpolyposis colorectal neoplasms. Last evaluated: 2022-05-30. Review status: criteria provided, single submitter. Criteria: Invitae Variant Classification Sherloc (09022015). Collection method: clinical testing. Allele origin: germline.

Ambry Genetics
Classification: Likely benign for Hereditary cancer-predisposing syndrome. Last evaluated: 2020-10-26. Review status: criteria provided, single submitter. Criteria: Ambry Variant Classification Scheme 2023. Collection method: clinical testing. Allele origin: germline.